The following is an entry in ClinVar:

NM_001267550.2(TTN):c.97488C>T (p.Ser32496=)

Genes: TTN-AS1 (TTN antisense RNA 1; plus strand), TTN (titin; minus strand). Cytogenetic location: 2q31.2.
Variant type: single nucleotide variant.
Coding change: c.97488C>T on transcript NM_001267550.2 (MANE Select); coding-DNA position 97488, C replaced by T.
Protein change: p.Ser32496=; no amino-acid change (serine 32496 retained).
Molecular consequence: synonymous variant. On other transcripts: non-coding transcript variant (1).
Genome position (GRCh38, 1-based): chr2:178,542,268, G>A on the plus strand (C>T on the coding strand, the complement: TTN is on the minus strand). VCF-style: chr2-178542268-G-A. GRCh37 (hg19) VCF-style: chr2-179406995-G-A.
Other names: c.89784C>T, p.Ser29928= (NM_133378.4); c.92565C>T, p.Ser30855= (NM_001256850.1); c.70293C>T, p.Ser23431= (NM_003319.4); c.70668C>T, p.Ser23556= (NM_133432.3); c.70869C>T, p.Ser23623= (NM_133437.4).
Identifiers: ClinVar variation 178903 (VCV000178903.17), dbSNP rs727504527, ClinGen allele CA183269.

ClinVar aggregate classification (germline): Likely benign. Review status: criteria provided, multiple submitters, no conflicts (2 of 4 stars). 3 submissions from 3 submitters: Likely benign (3). Last evaluated 2025-12-29.

Conditions:
Cardiovascular phenotype. Identifiers: MedGen CN230736.
Dilated cardiomyopathy 1G (CMD1G). Identifiers: Orphanet 154, MedGen C1858763, MONDO:0011400, OMIM 604145.
Autosomal recessive limb-girdle muscular dystrophy type 2J (LGMDR10). Also called: Limb-girdle muscular dystrophy, type 2J; MUSCULAR DYSTROPHY, LIMB-GIRDLE, AUTOSOMAL RECESSIVE 10. Identifiers: Orphanet 140922, MedGen C1837342, MONDO:0012127, OMIM 608807.

Allele frequency attached by ClinVar (database versions not stated): ExAC 0.00001; gnomAD exomes 0.00001; TOPMed 0.00001.
gnomAD v4.1: 9 of 1,605,432 alleles (0.00056%); highest among the groups gnomAD compares: South Asian, 0.0011%; no homozygotes.

Submissions (3):

Labcorp Genetics (formerly Invitae), Labcorp
Classification: Likely benign for Dilated cardiomyopathy 1G; Autosomal recessive limb-girdle muscular dystrophy type 2J. Last evaluated: 2025-12-29. Review status: criteria provided, single submitter. Criteria: Invitae Variant Classification Sherloc (09022015). Collection method: clinical testing. Allele origin: germline.

Ambry Genetics
Classification: Likely benign for Cardiovascular phenotype. Last evaluated: 2023-01-16. Review status: criteria provided, single submitter. Criteria: Ambry Variant Classification Scheme 2023. Collection method: clinical testing. Allele origin: germline.

Laboratory for Molecular Medicine, Mass General Brigham Personalized Medicine
Classification: Likely benign. Last evaluated: 2013-04-21. Review status: criteria provided, single submitter. Criteria: LMM Criteria. Collection method: clinical testing. Allele origin: germline. Observed: 1 variant allele.
Comment: Ser29928Ser in exon 298 of TTN: This variant is not expected to have clinical si gnificance because it does not alter an amino acid residue and is not located wi thin this splice consensus sequence. Ser29928Ser in exon 298 of TTN (allele fre quency = n/a)